The following is an entry in ClinVar:

ClinVar aggregate classification (germline): Likely pathogenic. Review status: reviewed by expert panel (3 of 4 stars). 3 submissions from 3 submitters: Likely pathogenic (1). 2 of the submissions do not count toward it. Last evaluated 2025-04-25.

Conditions:
Cerebral creatine deficiency syndrome. Also called: Creatine deficiency syndromes. Identifiers: Orphanet 79172, MedGen C5244016, MONDO:0000456.
Deficiency of guanidinoacetate methyltransferase (CCDS2). Also called: GAMT DEFICIENCY; Guanidinoacetate Methyltransferase (GAMT) Deficiency; CEREBRAL CREATINE DEFICIENCY SYNDROME 2. Identifiers: Orphanet 382, MedGen C0574080, MONDO:0012999, OMIM 612736.

Submissions (3):

ClinGen Cerebral Creatine Deficiency Syndromes Variant Curation Expert Panel, ClinGen
Classification: Likely pathogenic for Deficiency of guanidinoacetate methyltransferase. Last evaluated: 2025-04-25. Review status: reviewed by expert panel. Criteria: ClinGen CCDS ACMG Specifications GAMT V2.0.0. Collection method: curation. Allele origin: germline. Inheritance: Autosomal recessive inheritance.
Comment: The NM_000156.6:c.419C>A (p.Ser140Ter) variant in GAMT is a nonsense variant that is predicted to cause a premature stop codon in biologically-relevant exon 4 out of 6 exons that leads to nonsense mediated decay in a gene in which loss-of-function is an established mechanism (PVS1). This variant is absent from gnomAD v4.1.0. (PM2_Supporting). To our knowledge, this variant has not been reported in the literature in individuals with GAMT deficiency. There is a ClinVar entry for this variant (Variation ID: 225369). The classification of this variant has been upgraded from Variant of Uncertain Significance to Likely Pathogenic based on the recommendations of the ClinGen Sequence Variant Interpretation Working Group, that a variant meeting PVS1 and PM2_Supporting is classified as Likely Pathogenic. GAMT-specific ACMG/AMP criteria applied, as specified by the ClinGen Cerebral Creatine Deficiency Syndromes Variant Curation Expert Panel (Specifications Version 2.0.0): PVS1, PM2_Supporting. (Classification approved by the ClinGen CCDS VCEP on April 25, 2025).

Labcorp Genetics (formerly Invitae), Labcorp
Classification: Pathogenic for Cerebral creatine deficiency syndrome. Last evaluated: 2023-05-22. Review status: criteria provided, single submitter. Criteria: Invitae Variant Classification Sherloc (09022015). Collection method: clinical testing. Allele origin: germline. Not counted in ClinVar's aggregate classification.
Comment: For these reasons, this variant has been classified as Pathogenic. ClinVar contains an entry for this variant (Variation ID: 225369). This variant has not been reported in the literature in individuals affected with GAMT-related conditions. This variant is not present in population databases (gnomAD no frequency). This sequence change creates a premature translational stop signal (p.Ser140*) in the GAMT gene. It is expected to result in an absent or disrupted protein product. Loss-of-function variants in GAMT are known to be pathogenic (PMID: 15108290).

Soonchunhyang University Bucheon Hospital, Soonchunhyang University Medical Center
Classification: Likely pathogenic for Deficiency of guanidinoacetate methyltransferase. Last evaluated: 2016-03-18. Review status: criteria provided, single submitter. Criteria: ACMG Guidelines, 2015. Collection method: reference population. Allele origin: germline. Observed: 1 variant allele. Not counted in ClinVar's aggregate classification.

Literature cited by the submitters: PubMed 15108290 (cited by Labcorp Genetics (formerly Invitae), Labcorp and Soonchunhyang University Bucheon Hospital, Soonchunhyang University Medical Center); PubMed 17171576 (cited by Soonchunhyang University Bucheon Hospital, Soonchunhyang University Medical Center).

NM_000156.6(GAMT):c.419C>A (p.Ser140Ter)

Gene: GAMT (guanidinoacetate N-methyltransferase; minus strand). Cytogenetic location: 19p13.3.
Variant type: single nucleotide variant.
Coding change: c.419C>A on transcript NM_000156.6 (MANE Select); coding-DNA position 419, C replaced by A.
Protein change: p.Ser140Ter; replaces serine 140 with a stop codon.
Molecular consequence: nonsense.
Genome position (GRCh38, 1-based): chr19:1,399,168, G>T on the plus strand (C>A on the coding strand, the complement: GAMT is on the minus strand). VCF-style: chr19-1399168-G-T. GRCh37 (hg19) VCF-style: chr19-1399167-G-T.
Other names: NM_000156.6(GAMT):c.419C>A; p.Ser140Ter; c.419C>A, p.Ser140Ter (NM_138924.3); short protein forms S140*.
Identifiers: ClinVar variation 225369 (VCV000225369.12), dbSNP rs747656257, ClinGen allele CA402995274.